The following is an entry in ClinVar:

NM_004004.6(GJB2):c.233C>A (p.Ala78Asp)

Gene: GJB2 (gap junction protein beta 2; minus strand). Cytogenetic location: 13q12.11.
Variant type: single nucleotide variant.
Coding change: c.233C>A on transcript NM_004004.6 (MANE Select); coding-DNA position 233, C replaced by A.
Protein change: p.Ala78Asp; replaces alanine 78 with aspartic acid.
Molecular consequence: missense variant.
Genome position (GRCh38, 1-based): chr13:20,189,349, G>T on the plus strand (C>A on the coding strand, the complement: GJB2 is on the minus strand). VCF-style: chr13-20189349-G-T. GRCh37 (hg19) VCF-style: chr13-20763488-G-T.
Other names: short protein forms A78D.
Identifiers: ClinVar variation 1066933 (VCV001066933.9), dbSNP rs1481417187, ClinGen allele CA387461571.

ClinVar aggregate classification (germline): Likely pathogenic (1 of 4 stars; one submission).

Submission:

Labcorp Genetics (formerly Invitae), Labcorp
Classification: Likely pathogenic. Last evaluated: 2022-02-04. Review status: criteria provided, single submitter. Criteria: Invitae Variant Classification Sherloc (09022015). Collection method: clinical testing. Allele origin: germline.
Comment: This sequence change replaces alanine, which is neutral and non-polar, with aspartic acid, which is acidic and polar, at codon 78 of the GJB2 protein (p.Ala78Asp). This variant is not present in population databases (gnomAD no frequency). This variant has not been reported in the literature in individuals affected with GJB2-related conditions. ClinVar contains an entry for this variant (Variation ID: 1066933). Advanced modeling of protein sequence and biophysical properties (such as structural, functional, and spatial information, amino acid conservation, physicochemical variation, residue mobility, and thermodynamic stability) performed at Invitae indicates that this missense variant is expected to disrupt GJB2 protein function. This variant disrupts the p.Ala78 amino acid residue in GJB2. Other variant(s) that disrupt this residue have been determined to be pathogenic (PMID: 14556203, 24256046). This suggests that this residue is clinically significant, and that variants that disrupt this residue are likely to be disease-causing. In summary, the currently available evidence indicates that the variant is pathogenic, but additional data are needed to prove that conclusively. Therefore, this variant has been classified as Likely Pathogenic.

Literature cited by the submitters: PubMed 14556203; PubMed 24256046.